The following is an entry in ClinVar:

ClinVar aggregate classification (germline): Uncertain significance (1 of 4 stars; one submission).

gnomAD v4.1: 1 of 1,211,323 alleles (0.000083%); highest among the groups gnomAD compares: Non-Finnish European, 0.00011%; no homozygotes.

Submission:

GeneDx
Classification: Uncertain significance. Last evaluated: 2026-04-06. Review status: criteria provided, single submitter. Criteria: GeneDx Variant Classification Process June 2021. Collection method: clinical testing. Allele origin: germline.
Comment: Not observed at significant frequency in large population cohorts (gnomAD); In silico analysis supports that this missense variant has a deleterious effect on protein structure/function; Has not been previously published as pathogenic or benign to our knowledge

NM_015107.3(PHF8):c.2273C>T (p.Ser758Phe)

Gene: PHF8 (PHD finger protein 8; minus strand). Cytogenetic location: Xp11.22.
Variant type: single nucleotide variant.
Coding change: c.2273C>T on transcript NM_015107.3 (MANE Select); coding-DNA position 2273, C replaced by T.
Protein change: p.Ser758Phe; replaces serine 758 with phenylalanine.
Molecular consequence: missense variant.
Genome position (GRCh38, 1-based): chrX:53,985,084, G>A on the plus strand (C>T on the coding strand, the complement: PHF8 is on the minus strand). VCF-style: chrX-53985084-G-A. GRCh37 (hg19) VCF-style: chrX-54011517-G-A.
Other names: c.2381C>T, p.Ser794Phe (NM_001184896.1, NM_001441097.1); c.1970C>T, p.Ser657Phe (NM_001184897.2); c.2222C>T, p.Ser741Phe (NM_001184898.2); c.2078C>T, p.Ser693Phe (NM_001441096.1, NM_001441098.1); short protein forms S657F, S693F, S741F, S758F, S794F.
Identifiers: ClinVar variation 5018081 (VCV005018081.1).